The following is an entry in ClinVar:

ClinVar aggregate classification (germline): Uncertain significance. Review status: criteria provided, multiple submitters, no conflicts (2 of 4 stars). 2 submissions from 2 submitters: Uncertain significance (2). Last evaluated 2024-04-25.

Conditions:
LOX-related disorder. Also called: LOX-related disorders; LOX-related condition.

Allele frequency attached by ClinVar (database versions not stated): gnomAD exomes below 0.00001.
gnomAD v4.1: 1 of 1,592,682 alleles (0.000063%); highest among the groups gnomAD compares: Non-Finnish European, 0.000086%; no homozygotes.

Submissions (2):

Labcorp Genetics (formerly Invitae), Labcorp
Classification: Uncertain significance. Last evaluated: 2024-04-25. Review status: criteria provided, single submitter. Criteria: Invitae Variant Classification Sherloc (09022015). Collection method: clinical testing. Allele origin: germline.
Comment: This sequence change falls in intron 6 of the LOX gene. It does not directly change the encoded amino acid sequence of the LOX protein. It affects a nucleotide within the consensus splice site. This variant is not present in population databases (gnomAD no frequency). This variant has not been reported in the literature in individuals affected with LOX-related conditions. ClinVar contains an entry for this variant (Variation ID: 2630118). Variants that disrupt the consensus splice site are a relatively common cause of aberrant splicing (PMID: 17576681, 9536098). Algorithms developed to predict the effect of sequence changes on RNA splicing suggest that this variant may disrupt the consensus splice site. In summary, the available evidence is currently insufficient to determine the role of this variant in disease. Therefore, it has been classified as a Variant of Uncertain Significance.

PreventionGenetics, part of Exact Sciences
Classification: Uncertain significance for LOX-related condition. Last evaluated: 2023-01-26. Review status: criteria provided, single submitter. Criteria: ACMG Guidelines, 2015. Collection method: clinical testing. Allele origin: germline.
Comment: The LOX c.1247+5G>A variant is predicted to interfere with splicing. This variant is predicted to alter splicing at the donor site based on available splicing prediction programs (Alamut Visual Plus v1.6.1). To our knowledge, this variant has not been reported in the literature or in a large population database, indicating this variant is rare. Although we suspect that this variant may be pathogenic, at this time, the clinical significance of this variant is uncertain due to the absence of conclusive functional and genetic evidence.

Literature cited by the submitters: PubMed 17576681 (cited by Labcorp Genetics (formerly Invitae), Labcorp); PubMed 9536098 (cited by Labcorp Genetics (formerly Invitae), Labcorp).

NM_002317.7(LOX):c.1247+5G>A

Genes: LOX (lysyl oxidase; minus strand), SRFBP1 (serum response factor binding protein 1; plus strand). Cytogenetic location: 5q23.1.
Variant type: single nucleotide variant.
Coding change: c.1247+5G>A on transcript NM_002317.7 (MANE Select); 5 bases into the intron after coding-DNA position 1247, G replaced by A.
Molecular consequence: intron variant.
Genome position (GRCh38, 1-based): chr5:122,070,048, C>T on the plus strand (G>A on the coding strand, the complement: LOX is on the minus strand). VCF-style: chr5-122070048-C-T. GRCh37 (hg19) VCF-style: chr5-121405743-C-T.
Other names: c.557+5G>A (NM_001178102.2); c.356+5G>A (NM_001317073.1).
Identifiers: ClinVar variation 2630118 (VCV002630118.4), dbSNP rs2532900757, ClinGen allele CA2674996348.